The following is an entry in ClinVar:

ClinVar aggregate classification (germline): Uncertain significance (1 of 4 stars; one submission).

Allele frequency attached by ClinVar (database versions not stated): gnomAD exomes below 0.00001; TOPMed below 0.00001.

Submission:

New York Genome Center
Classification: Uncertain significance. Last evaluated: 2020-07-03. Review status: criteria provided, single submitter. Criteria: NYGC Assertion Criteria 2020. Collection method: clinical testing. Allele origin: inherited. Affected: yes. Observed: 1 heterozygote. Study: CSER-NYCKidSeq.
Comment: The inherited c.8798T>C (p.Ile2933Thr) variant identified in the NBEA gene substitutes a well conserved Isoleucine for Threonine at amino acid 2933/2947 (exon 58/58). This variant is absent from gnomAD(v3.0) suggesting it is not a common benign variant in the populations represented in that database. In silico algorithms do not agree on the effect of this variant, as it is predicted both Neutral (Provean; score:-1.86) and Damaging (SIFT; score:0.032) to the function of the canonical transcript. It is absent from ClinVar and to our current knowledge has not been reported in affected individuals in the literature. The p.Ile2933 reside is within WD repeat 5 of the protein (UniProtKB:Q8NFP9). Given the lack of compelling evidence for its pathogenicity, the inherited c.8798T>C (p.Ile2933Thr) variant identified in the NBEA gene is reported as a Variant of Uncertain Significance.

NM_001385012.1(NBEA):c.8861T>C (p.Ile2954Thr)

Gene: NBEA (neurobeachin; plus strand). Cytogenetic location: 13q13.3.
Variant type: single nucleotide variant.
Coding change: c.8861T>C on transcript NM_001385012.1 (MANE Select); coding-DNA position 8861, T replaced by C.
Protein change: p.Ile2954Thr; replaces isoleucine 2954 with threonine.
Molecular consequence: missense variant.
Genome position (GRCh38, 1-based): chr13:35,670,948, T>C. VCF-style: chr13-35670948-T-C. GRCh37 (hg19) VCF-style: chr13-36245085-T-C.
Other names: c.2177T>C, p.Ile726Thr (NM_001204197.3); c.8852T>C, p.Ile2951Thr (NM_001379245.1); c.8798T>C, p.Ile2933Thr (NM_015678.5); short protein forms I2933T, I2951T, I2954T, I726T.
Identifiers: ClinVar variation 1184310 (VCV001184310.1), dbSNP rs962193733, ClinGen allele CA248097688.